The following is an entry in ClinVar:

NM_005219.5(DIAPH1):c.380A>G (p.Gln127Arg)

Gene: DIAPH1 (diaphanous related formin 1; minus strand). Cytogenetic location: 5q31.3.
Variant type: single nucleotide variant.
Coding change: c.380A>G on transcript NM_005219.5 (MANE Select); coding-DNA position 380, A replaced by G.
Protein change: p.Gln127Arg; replaces glutamine 127 with arginine.
Molecular consequence: missense variant.
Genome position (GRCh38, 1-based): chr5:141,584,146, T>C on the plus strand (A>G on the coding strand, the complement: DIAPH1 is on the minus strand). VCF-style: chr5-141584146-T-C. GRCh37 (hg19) VCF-style: chr5-140963713-T-C.
Other names: c.353A>G, p.Gln118Arg (NM_001079812.3); c.380A>G, p.Gln127Arg (NM_001314007.2); c.380A>G (NM_005219.4); short protein forms Q127R, Q118R.
Identifiers: ClinVar variation 2943058 (VCV002943058.4), dbSNP rs2513773953, ClinGen allele CA361543539.
Genomic context (GRCh38, chr5:141,584,146, plus strand): 5'-CAGTCTCCCATGTCATGGGTACCTGTCCCAGGACTCACAGCCTTGGAGGTGTACAAGTAT[T>C]GGGACACCATCTCCCTCTTGATGATGATGTCCTTCTCCCTCAAAGGTTGCTGTTTCTCCT-3'
Protein context (NP_005210.3, residues 117-137): DIIIKREMVS[Gln127Arg]YLYTSKAGMS

ClinVar aggregate classification (germline): Uncertain significance. Review status: criteria provided, multiple submitters, no conflicts (2 of 4 stars). 2 submissions from 2 submitters: Uncertain significance (2). Last evaluated 2024-03-25.

Conditions:
Inborn genetic diseases. Identifiers: MedGen C0950123, MeSH D030342.
Progressive microcephaly-seizures-cortical blindness-developmental delay syndrome. Also called: Seizures, cortical blindness, and microcephaly syndrome. Identifiers: Orphanet 477814, MedGen C5567650, MONDO:0014714, OMIM 616632.
Autosomal dominant nonsyndromic hearing loss 1. Also called: KONIGSMARK SYNDROME; DEAFNESS, AUTOSOMAL DOMINANT 1, WITH OR WITHOUT THROMBOCYTOPENIA. Identifiers: Orphanet 90635, MedGen C1852282, MONDO:0007424, OMIM 124900.

Submissions (2):

Ambry Genetics
Classification: Uncertain significance for Inborn genetic diseases. Last evaluated: 2024-03-25. Review status: criteria provided, single submitter. Criteria: Ambry Variant Classification Scheme 2023. Collection method: clinical testing. Allele origin: germline.

Labcorp Genetics (formerly Invitae), Labcorp
Classification: Uncertain significance for Progressive microcephaly-seizures-cortical blindness-developmental delay syndrome; Autosomal dominant nonsyndromic hearing loss 1. Last evaluated: 2023-01-10. Review status: criteria provided, single submitter. Criteria: Invitae Variant Classification Sherloc (09022015). Collection method: clinical testing. Allele origin: germline.
Comment: This variant is not present in population databases (gnomAD no frequency). This variant has not been reported in the literature in individuals affected with DIAPH1-related conditions. Algorithms developed to predict the effect of missense changes on protein structure and function are either unavailable or do not agree on the potential impact of this missense change (SIFT: "Tolerated"; PolyPhen-2: "Not Available"; Align-GVGD: "Class C0"). In summary, the available evidence is currently insufficient to determine the role of this variant in disease. Therefore, it has been classified as a Variant of Uncertain Significance. This sequence change replaces glutamine, which is neutral and polar, with arginine, which is basic and polar, at codon 127 of the DIAPH1 protein (p.Gln127Arg).